The following is an entry in ClinVar:

NM_206933.4(USH2A):c.6056T>A (p.Leu2019Ter)

Gene: USH2A (usherin; minus strand). Cytogenetic location: 1q41.
Variant type: single nucleotide variant.
Coding change: c.6056T>A on transcript NM_206933.4 (MANE Select); coding-DNA position 6056, T replaced by A.
Protein change: p.Leu2019Ter; replaces leucine 2019 with a stop codon.
Molecular consequence: nonsense.
Genome position (GRCh38, 1-based): chr1:216,048,641, A>T on the plus strand (T>A on the coding strand, the complement: USH2A is on the minus strand). VCF-style: chr1-216048641-A-T. GRCh37 (hg19) VCF-style: chr1-216221983-A-T.
Other names: short protein forms L2019*.
Identifiers: ClinVar variation 1726209 (VCV001726209.2), dbSNP rs2527725818, ClinGen allele CA344859815.
Genomic context (GRCh38, chr1:216,048,641, plus strand): 5'-CCAGCCAAAGTGCAAGCAGTTAGGGTTACTGCATAGTTTTTGAAGGGTAGCAAGCCTGTC[A>T]ATATGCCTATAATAAAAAGGGACAAAAGAGGGTTGCGTGTTTACCATAAGCATCAATAAA-3'

ClinVar aggregate classification (germline): Likely pathogenic (1 of 4 stars; one submission).

Conditions:
Usher syndrome type 2A. Also called: RETINAL DISEASE IN USHER SYNDROME TYPE IIA, MODIFIER OF; USHER SYNDROME, TYPE IIA. Identifiers: Orphanet 231178, Orphanet 886, MedGen C1848634, MONDO:0010169, OMIM 276901.

Submission:

Myriad Genetics, Inc.
Classification: Likely pathogenic for Usher syndrome type 2A. Last evaluated: 2022-05-24. Review status: criteria provided, single submitter. Criteria: Myriad Women's Health Autosomal Recessive and X-Linked Classification Criteria (2021). Collection method: clinical testing. Allele origin: unknown.
Comment: NM_206933.2(USH2A):c.6056T>A(L2019*) is expected to be pathogenic in the context of USH2A-related disorders. This variant is predicted to lead to an abnormal or absent protein product due to the creation of a premature termination codon in USH2A, a gene where loss-of-function variants are known to be pathogenic. Please note: this variant was assessed in the context of healthy population screening.